The following is an entry in ClinVar:

ClinVar aggregate classification (germline): Uncertain significance (1 of 4 stars; one submission).

Conditions:
Cardiovascular phenotype. Identifiers: MedGen CN230736.

gnomAD v4.1: 7 of 1,613,822 alleles (0.00043%); highest among the groups gnomAD compares: Non-Finnish European, 0.00051%; no homozygotes.

Submission:

Ambry Genetics
Classification: Uncertain significance for Cardiovascular phenotype. Last evaluated: 2025-05-16. Review status: criteria provided, single submitter. Criteria: Ambry Variant Classification Scheme 2023. Collection method: clinical testing. Allele origin: germline.
Comment: The p.L3076P variant (also known as c.9227T>C), located in coding exon 26 of the TNXB gene, results from a T to C substitution at nucleotide position 9227. The leucine at codon 3076 is replaced by proline, an amino acid with similar properties. This amino acid position is conserved. In addition, the in silico prediction for this alteration is inconclusive. Since supporting evidence is limited at this time, the clinical significance of this alteration remains unclear.

NM_001365276.2(TNXB):c.9233T>C (p.Leu3078Pro)

Gene: TNXB (tenascin XB; minus strand). Cytogenetic location: 6p21.33.
Variant type: single nucleotide variant.
Coding change: c.9233T>C on transcript NM_001365276.2 (MANE Select); coding-DNA position 9233, T replaced by C.
Protein change: p.Leu3078Pro; replaces leucine 3078 with proline.
Molecular consequence: missense variant.
Genome position (GRCh38, 1-based): chr6:32,050,204, A>G on the plus strand (T>C on the coding strand, the complement: TNXB is on the minus strand). VCF-style: chr6-32050204-A-G. GRCh37 (hg19) VCF-style: chr6-32017981-A-G.
Other names: c.9974T>C, p.Leu3325Pro (NM_001428335.1); c.9227T>C, p.Leu3076Pro (NM_019105.8); short protein forms L3325P, L3078P, L3076P.
Identifiers: ClinVar variation 3971963 (VCV003971963.1).